The following is an entry in ClinVar:

ClinVar aggregate classification (germline): Conflicting classifications of pathogenicity. Review status: criteria provided, conflicting classifications (1 of 4 stars). 4 submissions from 4 submitters: Uncertain significance (2); Likely benign (2). Last evaluated 2025-01-27.

Conditions:
Inborn genetic diseases. Identifiers: MedGen C0950123, MeSH D030342.
Progressive sclerosing poliodystrophy (MTDPS4A). Also called: Mitochondrial DNA depletion syndrome 4A (Alpers type); Alpers Syndrome; ALPERS DIFFUSE DEGENERATION OF CEREBRAL GRAY MATTER WITH HEPATIC CIRRHOSIS; Mitochondrial DNA Depletion Syndrome 4A; Alpers-Huttenlocher Syndrome (AHS); ALPERS PROGRESSIVE INFANTILE POLIODYSTROPHY. Identifiers: Orphanet 726, MedGen C0205710, MONDO:0008758, OMIM 203700.

Submissions (4):

Labcorp Genetics (formerly Invitae), Labcorp
Classification: Uncertain significance for Progressive sclerosing poliodystrophy. Last evaluated: 2025-01-27. Review status: criteria provided, single submitter. Criteria: Invitae Variant Classification Sherloc (09022015). Collection method: clinical testing. Allele origin: germline.
Comment: This sequence change replaces glutamine, which is neutral and polar, with proline, which is neutral and non-polar, at codon 53 of the POLG protein (p.Gln53Pro). Information on the frequency of this variant in the gnomAD database is not available, as this variant may be reported differently in the database. This variant has not been reported in the literature in individuals affected with POLG-related conditions. Experimental studies and prediction algorithms are not available or were not evaluated, and the functional significance of this variant is currently unknown. In summary, the available evidence is currently insufficient to determine the role of this variant in disease. Therefore, it has been classified as a Variant of Uncertain Significance.

Ambry Genetics
Classification: Likely benign for Inborn genetic diseases. Last evaluated: 2024-01-22. Review status: criteria provided, single submitter. Criteria: Ambry Variant Classification Scheme 2023. Collection method: clinical testing. Allele origin: germline.

GeneDx
Classification: Likely benign. Last evaluated: 2021-04-09. Review status: criteria provided, single submitter. Criteria: GeneDx Variant Classification Process June 2021. Collection method: clinical testing. Allele origin: germline. Affected: yes.

Athena Diagnostics
Classification: Uncertain significance. Last evaluated: 2018-12-03. Review status: criteria provided, single submitter. Criteria: Athena Diagnostics Criteria. Collection method: clinical testing. Allele origin: germline.

Literature cited by the submitters: PubMed 33726816 (cited by Ambry Genetics).

NM_002693.3(POLG):c.158_159delinsCT (p.Gln53Pro)

Genes: POLG (DNA polymerase gamma, catalytic subunit; minus strand), POLGARF (POLG alternative reading frame; minus strand). Cytogenetic location: 15q26.1.
Variant type: Indel.
Coding change: c.158_159delinsCT on transcript NM_002693.3 (MANE Select); coding-DNA positions 158 to 159, AA replaced by CT.
Protein change: p.Gln53Pro; replaces glutamine 53 with proline.
Molecular consequence: missense variant.
Genome position (GRCh38, 1-based): chr15:89,333,596-89,333,597, TT replaced by AG on the plus strand (AA replaced by CT on the coding strand, the reverse complement: POLG is on the minus strand). VCF-style: chr15-89333596-TT-AG. GRCh37 (hg19) VCF-style: chr15-89876827-TT-AG.
Other names: c.158_159delinsCT, p.Gln53Pro (NM_001126131.2); c.158_159delAAinsCT (NM_002693.2); short protein forms Q53P.
Identifiers: ClinVar variation 422763 (VCV000422763.10), dbSNP rs1064795981, ClinGen allele CA10602308.